The following is an entry in ClinVar:

NM_001128840.3(CACNA1D):c.1273C>G (p.Leu425Val)

Gene: CACNA1D (calcium voltage-gated channel subunit alpha1 D; plus strand). Cytogenetic location: 3p21.1.
Variant type: single nucleotide variant.
Coding change: c.1273C>G on transcript NM_001128840.3 (MANE Select); coding-DNA position 1273, C replaced by G.
Protein change: p.Leu425Val; replaces leucine 425 with valine.
Molecular consequence: missense variant.
Genome position (GRCh38, 1-based): chr3:53,702,693, C>G. VCF-style: chr3-53702693-C-G. GRCh37 (hg19) VCF-style: chr3-53736720-C-G.
Other names: c.1273C>G, p.Leu425Val (NM_000720.4, NM_001128839.3); short protein forms L425V.
Identifiers: ClinVar variation 3675218 (VCV003675218.2).

ClinVar aggregate classification (germline): Uncertain significance (1 of 4 stars; one submission).

Submission:

Labcorp Genetics (formerly Invitae), Labcorp
Classification: Uncertain significance. Last evaluated: 2024-12-22. Review status: criteria provided, single submitter. Criteria: Invitae Variant Classification Sherloc (09022015). Collection method: clinical testing. Allele origin: germline.
Comment: This sequence change replaces leucine, which is neutral and non-polar, with valine, which is neutral and non-polar, at codon 425 of the CACNA1D protein (p.Leu425Val). This variant is not present in population databases (gnomAD no frequency). This variant has not been reported in the literature in individuals affected with CACNA1D-related conditions. Invitae Evidence Modeling of protein sequence and biophysical properties (such as structural, functional, and spatial information, amino acid conservation, physicochemical variation, residue mobility, and thermodynamic stability) indicates that this missense variant is not expected to disrupt CACNA1D protein function with a negative predictive value of 80%. In summary, the available evidence is currently insufficient to determine the role of this variant in disease. Therefore, it has been classified as a Variant of Uncertain Significance.